The following is an entry in ClinVar:

ClinVar aggregate classification (germline): Uncertain significance (1 of 4 stars; one submission).

Submission:

GeneDx
Classification: Uncertain significance. Last evaluated: 2017-07-20. Review status: criteria provided, single submitter. Criteria: GeneDx Variant Classification (06012015). Collection method: clinical testing. Allele origin: germline. Affected: yes.
Comment: A variant of uncertain significance has been identified in the SCN1A gene. The E1971Q variant has not been published as a pathogenic variant, nor has it been reported as a benign variant to our knowledge. The E1971Q variant is not observed in large population cohorts (Lek et al., 2016; 1000 Genomes Consortium et al., 2015; Exome Variant Server). The E1971Q variant is a semi-conservative amino acid substitution, which may impact secondary protein structure as these residues differ in some properties. However, this substitution is predicted to be within the C-terminal cytoplasmic domain, where amino acids with similar properties to Glutamic acid are tolerated across species. In silico analysis is inconsistent in its predictions as to whether or not the variant is damaging to the protein structure/function. Therefore, based on the currently available information, it is unclear whether this variant is a pathogenic variant or a rare benign variant.

NM_001165963.4(SCN1A):c.5911G>C (p.Glu1971Gln)

Genes: SCN1A (sodium voltage-gated channel alpha subunit 1; minus strand), LOC102724058 (uncharacterized LOC102724058; plus strand). Cytogenetic location: 2q24.3.
Variant type: single nucleotide variant.
Coding change: c.5911G>C on transcript NM_001165963.4 (MANE Select); coding-DNA position 5911, G replaced by C.
Protein change: p.Glu1971Gln; replaces glutamic acid 1971 with glutamine.
Molecular consequence: missense variant. On other transcripts: non-coding transcript variant (1).
Genome position (GRCh38, 1-based): chr2:165,991,364, C>G on the plus strand (G>C on the coding strand, the complement: SCN1A is on the minus strand). VCF-style: chr2-165991364-C-G. GRCh37 (hg19) VCF-style: chr2-166847874-C-G.
Other names: c.5827G>C, p.Glu1943Gln (NM_001165964.3, NM_001353957.2, NM_001353958.2); c.5911G>C, p.Glu1971Gln (NM_001202435.3, NM_001353948.2); c.5878G>C, p.Glu1960Gln (NM_001353949.2, NM_001353950.2, NM_001353951.2 and 2 more transcripts); c.5875G>C, p.Glu1959Gln (NM_001353954.2, NM_001353955.2); c.5824G>C, p.Glu1942Gln (NM_001353960.2); c.3469G>C, p.Glu1157Gln (NM_001353961.2); short protein forms E1960Q, E1971Q, E1943Q, E1959Q, E1157Q, E1942Q.
Identifiers: ClinVar variation 450597 (VCV000450597.2), dbSNP rs1553519738, ClinGen allele CA349063242.